The following is an entry in ClinVar:

ClinVar aggregate classification (germline): Uncertain significance (1 of 4 stars; one submission).

Conditions:
Short-rib thoracic dysplasia 14 with polydactyly (SRTD14). Identifiers: Orphanet 397715, MedGen C4225286, MONDO:0014688, OMIM 616546.
Joubert syndrome 23 (JBTS23). Identifiers: Orphanet 475, MedGen C4084822, MONDO:0014664, OMIM 616490.

Allele frequency attached by ClinVar (database versions not stated): gnomAD exomes below 0.00001 and 0.00001; ExAC 0.00001; gnomAD 0.00001; TOPMed 0.00002.
gnomAD v4.1: 6 of 1,605,880 alleles (0.00037%); highest among the groups gnomAD compares: Non-Finnish European, 0.00051%; no homozygotes.

Submission:

Labcorp Genetics (formerly Invitae), Labcorp
Classification: Uncertain significance for Joubert syndrome 23; Short-rib thoracic dysplasia 14 with polydactyly. Last evaluated: 2021-08-19. Review status: criteria provided, single submitter. Criteria: Invitae Variant Classification Sherloc (09022015). Collection method: clinical testing. Allele origin: germline.
Comment: This sequence change replaces glutamic acid with lysine at codon 559 of the KIAA0586 protein (p.Glu559Lys). The glutamic acid residue is highly conserved and there is a small physicochemical difference between glutamic acid and lysine. This variant is present in population databases (rs746704306, ExAC 0.003%). This variant has not been reported in the literature in individuals affected with KIAA0586-related conditions. Algorithms developed to predict the effect of missense changes on protein structure and function are either unavailable or do not agree on the potential impact of this missense change (SIFT: "Deleterious"; PolyPhen-2: "Probably Damaging"; Align-GVGD: "Class C0"). In summary, the available evidence is currently insufficient to determine the role of this variant in disease. Therefore, it has been classified as a Variant of Uncertain Significance.

NM_001329943.3(KIAA0586):c.1516G>A (p.Glu506Lys)

Gene: KIAA0586 (KIAA0586; plus strand). Cytogenetic location: 14q23.1.
Variant type: single nucleotide variant.
Coding change: c.1516G>A on transcript NM_001329943.3 (MANE Select); coding-DNA position 1516, G replaced by A.
Protein change: p.Glu506Lys; replaces glutamic acid 506 with lysine.
Molecular consequence: missense variant.
Genome position (GRCh38, 1-based): chr14:58,457,912, G>A. VCF-style: chr14-58457912-G-A. GRCh37 (hg19) VCF-style: chr14-58924630-G-A.
Other names: c.1675G>A, p.Glu559Lys (NM_001244189.2); c.1471G>A, p.Glu491Lys (NM_001244190.2); c.1261G>A, p.Glu421Lys (NM_001244191.2, NM_001329945.2, NM_001364700.1 and 1 more transcripts); c.1384G>A, p.Glu462Lys (NM_001244192.2); c.1096G>A, p.Glu366Lys (NM_001244193.2); c.1516G>A, p.Glu506Lys (NM_001329944.2, NM_001329946.2, NM_001329947.2 and 1 more transcripts); short protein forms E559K, E366K, E421K, E462K, E491K, E506K.
Identifiers: ClinVar variation 1398112 (VCV001398112.3), dbSNP rs746704306, ClinGen allele CA7205674.
Genomic context (GRCh38, chr14:58,457,912, plus strand): 5'-GATGCTGAGAAGATTTTGAGAGGAGTACAAAACAATAAAAAAGTACTTGAAGAAAACCTG[G>A]AAGCTATTATTCGTGCAAAAGATGGAGCTGCCATGTATTCGCTTATCAATGCTTTATCTA-3'
Protein context (NP_001316872.1, residues 496-516): NNKKVLEENL[Glu506Lys]AIIRAKDGAA